The following is an entry in ClinVar:

NM_000256.3(MYBPC3):c.700A>G (p.Thr234Ala)

Gene: MYBPC3 (myosin binding protein C3; minus strand). Cytogenetic location: 11p11.2.
Variant type: single nucleotide variant.
Coding change: c.700A>G on transcript NM_000256.3 (MANE Select); coding-DNA position 700, A replaced by G.
Protein change: p.Thr234Ala; replaces threonine 234 with alanine.
Molecular consequence: missense variant.
Genome position (GRCh38, 1-based): chr11:47,348,496, T>C on the plus strand (A>G on the coding strand, the complement: MYBPC3 is on the minus strand). VCF-style: chr11-47348496-T-C. GRCh37 (hg19) VCF-style: chr11-47370047-T-C.
Other names: short protein forms T234A.
Identifiers: ClinVar variation 2150250 (VCV002150250.4), dbSNP rs753271103, ClinGen allele CA056501.

ClinVar aggregate classification (germline): Uncertain significance (1 of 4 stars; one submission).

Conditions:
Hypertrophic cardiomyopathy. Also called: HYPERTROPHIC MYOCARDIOPATHY. Identifiers: Orphanet 217569, MedGen C0007194, MeSH D002312, MONDO:0005045, HP:0001639.

Allele frequency attached by ClinVar (database versions not stated): TOPMed below 0.00001; ExAC 0.00002; gnomAD exomes 0.00002.
gnomAD v4.1: 22 of 1,613,290 alleles (0.0014%); highest among the groups gnomAD compares: South Asian, 0.024%; 1 homozygote.

Submission:

Labcorp Genetics (formerly Invitae), Labcorp
Classification: Uncertain significance for Hypertrophic cardiomyopathy. Last evaluated: 2025-02-05. Review status: criteria provided, single submitter. Criteria: Invitae Variant Classification Sherloc (09022015). Collection method: clinical testing. Allele origin: germline.
Comment: This sequence change replaces threonine, which is neutral and polar, with alanine, which is neutral and non-polar, at codon 234 of the MYBPC3 protein (p.Thr234Ala). This variant is present in population databases (rs753271103, gnomAD 0.01%). This variant has not been reported in the literature in individuals affected with MYBPC3-related conditions. ClinVar contains an entry for this variant (Variation ID: 2150250). An algorithm developed to predict the effect of missense changes on protein structure and function outputs the following: PolyPhen-2: "Benign". The alanine amino acid residue is found in multiple mammalian species, which suggests that this missense change does not adversely affect protein function. In summary, the available evidence is currently insufficient to determine the role of this variant in disease. Therefore, it has been classified as a Variant of Uncertain Significance.